The following is an entry in ClinVar:

ClinVar aggregate classification (germline): Likely pathogenic (1 of 4 stars; one submission).

Conditions:
Amelogenesis imperfecta type 1H. Also called: Amelogenesis imperfecta, type IH. Identifiers: Orphanet 88661, MedGen C4015557, MONDO:0014540, OMIM 616221.

Submission:

First Genomix Gene Laboratory, Genetic Diagnostics Department
Classification: Likely pathogenic for Amelogenesis imperfecta type 1H. Last evaluated: 2025-07-31. Review status: criteria provided, single submitter. Criteria: ACMG Guidelines, 2015. Collection method: clinical testing. Allele origin: germline. Inheritance: Autosomal recessive inheritance. Affected: no. Observed: 1 variant allele.

NM_000888.5(ITGB6):c.1073del (p.Gly358fs)

Gene: ITGB6 (integrin subunit beta 6; minus strand). Cytogenetic location: 2q24.2.
Variant type: Deletion.
Coding change: c.1073del on transcript NM_000888.5 (MANE Select); coding-DNA position 1073, one base deleted (G; older notation c.1073delG).
Protein change: p.Gly358fs; shifts the reading frame from glycine 358.
Molecular consequence: frameshift variant.
Genome position (GRCh38, 1-based): chr2:160,142,016, C deleted on the plus strand (G on the coding strand, the reverse complement: ITGB6 is on the minus strand); the first of 2 consecutive C bases (chr2:160,142,016-160,142,017); deleting either gives the same sequence. VCF-style (leftmost placement, unchanged base first): chr2-160142015-TC-T. GRCh37 (hg19) VCF-style: chr2-160998526-TC-T.
Other names: c.1073del, p.Gly358fs (NM_001282353.2, NM_001282355.2); c.788del, p.Gly263fs (NM_001282354.2); c.947del, p.Gly316fs (NM_001282388.2); c.854del, p.Gly285fs (NM_001282389.2); c.659del, p.Gly220fs (NM_001282390.2); c.1073delG (NM_000888.5); short protein forms G220fs, G263fs, G285fs, G316fs, G358fs.
Identifiers: ClinVar variation 4850665 (VCV004850665.1).